The following is an entry in ClinVar:

NM_001130823.3(DNMT1):c.4498G>A (p.Ala1500Thr)

Genes: DNMT1 (DNA methyltransferase 1; minus strand), LOC126862853 (CDK7 strongly-dependent group 2 enhancer GRCh37_chr19:10246117-10247316; plus strand). Cytogenetic location: 19p13.2.
Variant type: single nucleotide variant.
Coding change: c.4498G>A on transcript NM_001130823.3 (MANE Select); coding-DNA position 4498, G replaced by A.
Protein change: p.Ala1500Thr; replaces alanine 1500 with threonine.
Molecular consequence: missense variant.
Genome position (GRCh38, 1-based): chr19:10,136,279, C>T on the plus strand (G>A on the coding strand, the complement: DNMT1 is on the minus strand). VCF-style: chr19-10136279-C-T. GRCh37 (hg19) VCF-style: chr19-10246955-C-T.
Other names: c.4459G>A, p.Ala1487Thr (NM_001318730.2); c.4135G>A, p.Ala1379Thr (NM_001318731.2); c.4450G>A, p.Ala1484Thr (NM_001379.4); short protein forms A1379T, A1487T, A1484T, A1500T.
Identifiers: ClinVar variation 4997053 (VCV004997053.1).

ClinVar aggregate classification (germline): Uncertain significance (1 of 4 stars; one submission).

Conditions:
DNMT1-related disorder. Also called: DNMT1-related condition. Identifiers: MedGen CN381527.

gnomAD v4.1: 1 of 1,613,814 alleles (0.000062%); highest among the groups gnomAD compares: Admixed American, 0.0017%; no homozygotes.

Submission:

PreventionGenetics, part of Exact Sciences
Classification: Uncertain significance for DNMT1-related condition. Last evaluated: 2024-12-27. Review status: criteria provided, single submitter. Criteria: ACMG Guidelines, 2015. Collection method: clinical testing. Allele origin: germline.
Comment: The DNMT1 c.4498G>A variant is predicted to result in the amino acid substitution p.Ala1500Thr. To our knowledge, this variant has not been reported in the literature or in a large population database (gnomAD), indicating this variant is rare. At this time, the clinical significance of this variant is uncertain due to the absence of conclusive functional and genetic evidence.